The following is an entry in ClinVar:

NM_000789.4(ACE):c.3869G>A (p.Arg1290Gln)

Gene: ACE (angiotensin I converting enzyme; plus strand). Cytogenetic location: 17q23.3.
Variant type: single nucleotide variant.
Coding change: c.3869G>A on transcript NM_000789.4 (MANE Select); coding-DNA position 3869, G replaced by A.
Protein change: p.Arg1290Gln; replaces arginine 1290 with glutamine.
Molecular consequence: missense variant. On other transcripts: non-coding transcript variant (1).
Genome position (GRCh38, 1-based): chr17:63,497,314, G>A. VCF-style: chr17-63497314-G-A. GRCh37 (hg19) VCF-style: chr17-61574675-G-A.
Other names: p.Arg1290Gln; c.2024G>A, p.Arg675Gln (NM_001178057.2); c.3302G>A, p.Arg1101Gln (NM_001382700.1); c.3017G>A, p.Arg1006Gln (NM_001382701.1); c.1484G>A, p.Arg495Gln (NM_001382702.1); c.2147G>A, p.Arg716Gln (NM_152830.3); short protein forms R1006Q, R1101Q, R1290Q, R495Q, R675Q, R716Q.
Identifiers: ClinVar variation 1605315 (VCV001605315.10), dbSNP rs12720745, ClinGen allele CA8700681.

ClinVar aggregate classification (germline): Benign. Review status: criteria provided, multiple submitters, no conflicts (2 of 4 stars). 3 submissions from 3 submitters: Benign (3). Last evaluated 2026-01-25.

Allele frequency attached by ClinVar (database versions not stated): gnomAD exomes 0.00059 and 0.00146; ExAC 0.00311; ESP Exome Variant Server 0.00560; gnomAD 0.00581 and 0.00622; 1000 Genomes Project 0.00679; TOPMed 0.00691; 1000 Genomes Project 30x 0.00890.
gnomAD v4.1: 1,749 of 1,549,406 alleles (0.11%); highest among the groups gnomAD compares: African/African-American, 2%; 17 homozygotes.

Submissions (3):

Labcorp Genetics (formerly Invitae), Labcorp
Classification: Benign. Last evaluated: 2026-01-25. Review status: criteria provided, single submitter. Criteria: Invitae Variant Classification Sherloc (09022015). Collection method: clinical testing. Allele origin: germline.

Mayo Clinic Laboratories, Mayo Clinic
Classification: Benign. Last evaluated: 2024-09-17. Review status: criteria provided, single submitter. Criteria: ACMG Guidelines, 2015. Collection method: clinical testing. Allele origin: germline. Observed: 2 variant alleles.
Comment: BS1, BS2, BP4

Breakthrough Genomics
Classification: Benign. Review status: criteria provided, single submitter. Criteria: ACMG Guidelines, 2015. Collection method: not provided. Allele origin: germline. Inheritance: Autosomal recessive inheritance. Affected: yes.